The following is an entry in ClinVar:

ClinVar aggregate classification (germline): Uncertain significance (1 of 4 stars; one submission).

Conditions:
Senior-Loken syndrome 8 (SLSN8). Identifiers: Orphanet 3156, MedGen C4225376, MONDO:0014579, OMIM 616307.
Asphyxiating thoracic dystrophy 5 (SRTD5). Also called: SHORT-RIB THORACIC DYSPLASIA 5 WITH OR WITHOUT POLYDACTYLY; SHORT-RIB THORACIC DYSPLASIA 5 WITHOUT POLYDACTYLY. Identifiers: Orphanet 474, MedGen C3280598, MONDO:0013717, OMIM 614376.

Submission:

Labcorp Genetics (formerly Invitae), Labcorp
Classification: Uncertain significance for Senior-Loken syndrome 8; Asphyxiating thoracic dystrophy 5. Last evaluated: 2023-08-10. Review status: criteria provided, single submitter. Criteria: Invitae Variant Classification Sherloc (09022015). Collection method: clinical testing. Allele origin: germline.
Comment: In summary, the available evidence is currently insufficient to determine the role of this variant in disease. Therefore, it has been classified as a Variant of Uncertain Significance. Experimental studies and prediction algorithms are not available or were not evaluated, and the functional significance of this variant is currently unknown. This variant has not been reported in the literature in individuals affected with WDR19-related conditions. This variant is present in population databases (rs763535788, gnomAD 0.0009%). This variant, c.1387_1389del, results in the deletion of 1 amino acid(s) of the WDR19 protein (p.Glu463del), but otherwise preserves the integrity of the reading frame.

NM_025132.4(WDR19):c.1384GAA[1] (p.Glu463del)

Gene: WDR19 (WD repeat domain 19; plus strand). Cytogenetic location: 4p14.
Variant type: Microsatellite.
Coding change: c.1384GAA[1] on transcript NM_025132.4 (MANE Select); one copy of the 3-base unit GAA starting at c.1384; the reference has two copies in a row; one copy, 3 bases deleted.
Protein change: p.Glu463del; deletes glutamic acid 463.
Molecular consequence: inframe deletion.
Genome position (GRCh38, 1-based): chr4:39,218,013-39,218,015, GAA deleted; deleting any 3 consecutive bases within chr4:39,218,008-39,218,015 gives the same sequence; the position shown is the placement nearest the transcript's 3' end. VCF-style (leftmost placement, unchanged base first): chr4-39218007-CAAG-C. GRCh37 (hg19) VCF-style: chr4-39219627-CAAG-C.
Other names: c.904GAA[1], p.Glu303del (NM_001317924.2); short protein forms E303del, E463del.
Identifiers: ClinVar variation 1051339 (VCV001051339.5), dbSNP rs763535788, ClinGen allele CA2891836.